The following is an entry in ClinVar:

ClinVar aggregate classification (germline): Uncertain significance (1 of 4 stars; one submission).

Conditions:
Developmental and epileptic encephalopathy, 12 (DEE12). Identifiers: MedGen C3150988, MONDO:0013389, OMIM 613722.

Allele frequency attached by ClinVar (database versions not stated): gnomAD exomes below 0.00001.
gnomAD v4.1: 3 of 1,613,978 alleles (0.00019%); highest among the groups gnomAD compares: Non-Finnish European, 0.00025%; no homozygotes.

Submission:

Labcorp Genetics (formerly Invitae), Labcorp
Classification: Uncertain significance for Developmental and epileptic encephalopathy, 12. Last evaluated: 2020-03-06. Review status: criteria provided, single submitter. Criteria: Invitae Variant Classification Sherloc (09022015). Collection method: clinical testing. Allele origin: germline.
Comment: In summary, the available evidence is currently insufficient to determine the role of this variant in disease. Therefore, it has been classified as a Variant of Uncertain Significance. Algorithms developed to predict the effect of missense changes on protein structure and function (SIFT, PolyPhen-2, Align-GVGD) all suggest that this variant is likely to be tolerated, but these predictions have not been confirmed by published functional studies and their clinical significance is uncertain. This variant has not been reported in the literature in individuals with PLCB1-related conditions. This variant is not present in population databases (ExAC no frequency). This sequence change replaces threonine with proline at codon 1002 of the PLCB1 protein (p.Thr1002Pro). The threonine residue is moderately conserved and there is a small physicochemical difference between threonine and proline.

NM_015192.4(PLCB1):c.3004A>C (p.Thr1002Pro)

Gene: PLCB1 (phospholipase C beta 1; plus strand). Cytogenetic location: 20p12.3.
Variant type: single nucleotide variant.
Coding change: c.3004A>C on transcript NM_015192.4 (MANE Select); coding-DNA position 3004, A replaced by C.
Protein change: p.Thr1002Pro; replaces threonine 1002 with proline.
Molecular consequence: missense variant.
Genome position (GRCh38, 1-based): chr20:8,774,612, A>C. VCF-style: chr20-8774612-A-C. GRCh37 (hg19) VCF-style: chr20-8755259-A-C.
Other names: c.3004A>C, p.Thr1002Pro (NM_182734.3); short protein forms T1002P.
Identifiers: ClinVar variation 1009416 (VCV001009416.8), dbSNP rs1358746132, ClinGen allele CA408209158.